The following is an entry in ClinVar:

ClinVar aggregate classification (germline): Benign. Review status: criteria provided, multiple submitters, no conflicts (2 of 4 stars). 3 submissions from 3 submitters: Benign (2). 1 of the submissions does not count toward it. Last evaluated 2026-02-01.

Conditions:
Thalidomide response. Identifiers: MedGen CN297989.

Allele frequency attached by ClinVar (database versions not stated): TOPMed 0.11626; gnomAD exomes 0.14946 and 0.14705; ESP Exome Variant Server 0.10464; gnomAD 0.11149 and 0.11503; 1000 Genomes Project 0.12340; 1000 Genomes Project 30x 0.12133; ExAC 0.14391.
gnomAD v4.1: 231,689 of 1,613,550 alleles (14%); highest among the groups gnomAD compares: East Asian, 26%; 18,017 homozygotes.

Submissions (3):

Labcorp Genetics (formerly Invitae), Labcorp
Classification: Benign. Last evaluated: 2026-02-01. Review status: criteria provided, single submitter. Criteria: Invitae Variant Classification Sherloc (09022015). Collection method: clinical testing. Allele origin: germline.

Breakthrough Genomics
Classification: Benign. Review status: criteria provided, single submitter. Criteria: ACMG Guidelines, 2015. Collection method: not provided. Allele origin: germline. Inheritance: Autosomal recessive inheritance. Affected: yes.

Rare Diseases Genetics and Genomics, Islamia College Peshawar
Classification: drug response for Thalidomide response. Review status: no assertion criteria provided. Collection method: research. Allele origin: germline. Affected: yes. Not counted in ClinVar's aggregate classification.
Comment: this variant was associated with non-response to thalidomide (not achieving transfusion independence)

NM_018194.6(HHAT):c.545G>A (p.Ser182Asn)

Gene: HHAT (hedgehog acyltransferase; plus strand). Cytogenetic location: 1q32.2.
Variant type: single nucleotide variant.
Coding change: c.545G>A on transcript NM_018194.6 (MANE Select); coding-DNA position 545, G replaced by A.
Protein change: p.Ser182Asn; replaces serine 182 with asparagine.
Molecular consequence: missense variant. On other transcripts: intron variant (1).
Genome position (GRCh38, 1-based): chr1:210,404,540, G>A. VCF-style: chr1-210404540-G-A. GRCh37 (hg19) VCF-style: chr1-210577884-G-A.
Other names: c.545G>A, p.Ser182Asn (NM_001122834.4, NM_001170580.3); c.548G>A, p.Ser183Asn (NM_001170587.3); c.350G>A, p.Ser117Asn (NM_001170588.3); c.274-13614G>A (NM_001170564.3); short protein forms S117N, S182N, S183N.
Identifiers: ClinVar variation 1587713 (VCV001587713.10), dbSNP rs2294851, ClinGen allele CA1379167.